The following is an entry in ClinVar:

ClinVar aggregate classification (germline): Pathogenic (1 of 4 stars; one submission).

Conditions:
Hereditary cancer-predisposing syndrome. Also called: Neoplastic Syndromes, Hereditary; Tumor predisposition; Hereditary Cancer Syndrome; Hereditary neoplastic syndrome. Identifiers: Orphanet 140162, MedGen C0027672, MeSH D009386, MONDO:0015356.

Submission:

Ambry Genetics
Classification: Pathogenic for Hereditary cancer-predisposing syndrome. Last evaluated: 2022-09-01. Review status: criteria provided, single submitter. Criteria: Ambry Variant Classification Scheme 2023. Collection method: clinical testing. Allele origin: germline.
Comment: The c.889delA pathogenic mutation, located in coding exon 6 of the ATM gene, results from a deletion of one nucleotide at nucleotide position 889, causing a translational frameshift with a predicted alternate stop codon (p.T297Pfs*23). This alteration is expected to result in loss of function by premature protein truncation or nonsense-mediated mRNA decay. As such, this alteration is interpreted as a disease-causing mutation.

NM_000051.4(ATM):c.889del (p.Thr297fs)

Gene: ATM (ATM serine/threonine kinase; plus strand). Cytogenetic location: 11q22.3.
Variant type: Deletion.
Coding change: c.889del on transcript NM_000051.4 (MANE Select); coding-DNA position 889, one base deleted (A; older notation c.889delA).
Protein change: p.Thr297fs; shifts the reading frame from threonine 297.
Molecular consequence: frameshift variant.
Genome position (GRCh38, 1-based): chr11:108,245,014, A deleted; the last of 4 consecutive A bases (chr11:108,245,011-108,245,014); deleting any one gives the same sequence. VCF-style (leftmost placement, unchanged base first): chr11-108245010-CA-C. GRCh37 (hg19) VCF-style: chr11-108115737-CA-C.
Other names: c.889del, p.Thr297fs (NM_001351834.2); short protein forms T297fs.
Identifiers: ClinVar variation 1765019 (VCV001765019.2), dbSNP rs2497155446, ClinGen allele CA2580082978.